The following is an entry in ClinVar:

ClinVar aggregate classification (germline): Uncertain significance (1 of 4 stars; one submission).

Conditions:
Joubert syndrome. Also called: CEREBELLOPARENCHYMAL DISORDER IV; JOUBERT-BOLTSHAUSER SYNDROME; Familial aplasia of the vermis. Identifiers: Orphanet 475, MedGen C5979921, MONDO:0018772.
Meckel-Gruber syndrome. Also called: DYSENCEPHALIA SPLANCHNOCYSTICA; GRUBER SYNDROME; Dysencephalia splachnocystica. Identifiers: Orphanet 564, MedGen C0265215, MONDO:0018921.

Submission:

Labcorp Genetics (formerly Invitae), Labcorp
Classification: Uncertain significance for Joubert syndrome; Meckel-Gruber syndrome. Last evaluated: 2021-04-23. Review status: criteria provided, single submitter. Criteria: Invitae Variant Classification Sherloc (09022015). Collection method: clinical testing. Allele origin: germline.
Comment: This sequence change replaces cysteine with tyrosine at codon 506 of the TCTN1 protein (p.Cys506Tyr). The cysteine residue is highly conserved and there is a large physicochemical difference between cysteine and tyrosine. Algorithms developed to predict the effect of missense changes on protein structure and function (SIFT, PolyPhen-2, Align-GVGD) all suggest that this variant is likely to be disruptive, but these predictions have not been confirmed by published functional studies and their clinical significance is uncertain. In summary, the available evidence is currently insufficient to determine the role of this variant in disease. Therefore, it has been classified as a Variant of Uncertain Significance. This variant has not been reported in the literature in individuals with TCTN1-related conditions. This variant is not present in population databases (ExAC no frequency).

NM_001082538.3(TCTN1):c.1517G>A (p.Cys506Tyr)

Gene: TCTN1 (tectonic family member 1; plus strand). Cytogenetic location: 12q24.11.
Variant type: single nucleotide variant.
Coding change: c.1517G>A on transcript NM_001082538.3 (MANE Select); coding-DNA position 1517, G replaced by A.
Protein change: p.Cys506Tyr; replaces cysteine 506 with tyrosine.
Molecular consequence: missense variant. On other transcripts: non-coding transcript variant (1).
Genome position (GRCh38, 1-based): chr12:110,647,218, G>A. VCF-style: chr12-110647218-G-A. GRCh37 (hg19) VCF-style: chr12-111085023-G-A.
Other names: c.1502G>A, p.Cys501Tyr (NM_001082537.3); c.1334G>A, p.Cys445Tyr (NM_001173975.3); c.1190G>A, p.Cys397Tyr (NM_001173976.2); c.1355G>A, p.Cys452Tyr (NM_001319680.2); c.968G>A, p.Cys323Tyr (NM_001319681.2); c.1460G>A, p.Cys487Tyr (NM_024549.6); short protein forms C397Y, C452Y, C445Y, C487Y, C323Y, C501Y, C506Y.
Identifiers: ClinVar variation 1431433 (VCV001431433.10), dbSNP rs2136195685, ClinGen allele CA386695177.